The following is an entry in ClinVar:

NM_006739.4(MCM5):c.893G>T (p.Gly298Val)

Gene: MCM5 (minichromosome maintenance complex component 5; plus strand). Cytogenetic location: 22q12.3.
Variant type: single nucleotide variant.
Coding change: c.893G>T on transcript NM_006739.4 (MANE Select); coding-DNA position 893, G replaced by T.
Protein change: p.Gly298Val; replaces glycine 298 with valine.
Molecular consequence: missense variant.
Genome position (GRCh38, 1-based): chr22:35,410,884, G>T. VCF-style: chr22-35410884-G-T. GRCh37 (hg19) VCF-style: chr22-35806877-G-T.
Other names: short protein forms G298V.
Identifiers: ClinVar variation 2701018 (VCV002701018.3), dbSNP rs2517892898, ClinGen allele CA411343257.
Genomic context (GRCh38, chr22:35,410,884, plus strand): 5'-CCAGCAGGGGCCGTGACAGGGTGGGCGTGGGCATCCGAAGCTCCTACATCCGTGTCCTGG[G>T]CATCCAGGTGGACACAGATGGCTCTGGTGAGTTGGCTTTGGGGTCCTGGCTTAGCCCTGC-3'
Protein context (NP_006730.2, residues 288-308): GIRSSYIRVL[Gly298Val]IQVDTDGSGR

ClinVar aggregate classification (germline): Uncertain significance (1 of 4 stars; one submission).

Submission:

Labcorp Genetics (formerly Invitae), Labcorp
Classification: Uncertain significance. Last evaluated: 2023-06-09. Review status: criteria provided, single submitter. Criteria: Invitae Variant Classification Sherloc (09022015). Collection method: clinical testing. Allele origin: germline.
Comment: This variant is not present in population databases (gnomAD no frequency). This sequence change replaces glycine, which is neutral and non-polar, with valine, which is neutral and non-polar, at codon 298 of the MCM5 protein (p.Gly298Val). Advanced modeling of protein sequence and biophysical properties (such as structural, functional, and spatial information, amino acid conservation, physicochemical variation, residue mobility, and thermodynamic stability) performed at Invitae indicates that this missense variant is expected to disrupt MCM5 protein function. This variant has not been reported in the literature in individuals affected with MCM5-related conditions. In summary, the available evidence is currently insufficient to determine the role of this variant in disease. Therefore, it has been classified as a Variant of Uncertain Significance.